The following is an entry in ClinVar:

ClinVar aggregate classification (germline): Pathogenic. Review status: criteria provided, multiple submitters, no conflicts (2 of 4 stars). 2 submissions from 2 submitters: Pathogenic (2). Last evaluated 2023-10-24.

Conditions:
2-aminoadipic 2-oxoadipic aciduria (AAKAD). Also called: Aminoadipic aciduria; ALPHA-AMINOADIPIC AND ALPHA-KETOADIPIC ACIDURIA. Identifiers: Orphanet 79154, MedGen C1859817, MONDO:0008774, OMIM 204750.

Allele frequency attached by ClinVar (database versions not stated): ExAC 0.00002; gnomAD 0.00003.

Submissions (2):

Women's Health and Genetics/Laboratory Corporation of America, LabCorp
Classification: Pathogenic for 2-aminoadipic 2-oxoadipic aciduria. Last evaluated: 2023-10-24. Review status: criteria provided, single submitter. Criteria: LabCorp Variant Classification Summary - May 2015. Collection method: clinical testing. Allele origin: germline.
Comment: Variant summary: DHTKD1 c.487C>T (p.Arg163X) results in a premature termination codon, predicted to cause absence of the protein due to nonsense mediated decay, which is a commonly known mechanism for disease. The variant allele was found at a frequency of 1.2e-05 in 251486 control chromosomes (gnomAD). To our knowledge, no occurrence of c.487C>T in individuals affected with 2-Aminoadipic 2-Oxoadipic Aciduria and no experimental evidence demonstrating its impact on protein function have been reported. One submitter has cited a clinical-significance assessment for this variant to ClinVar after 2014 and has classified the variant as pathogenic. Based on the evidence outlined above, the variant was classified as pathogenic.

Labcorp Genetics (formerly Invitae), Labcorp
Classification: Pathogenic for 2-aminoadipic 2-oxoadipic aciduria. Last evaluated: 2022-10-15. Review status: criteria provided, single submitter. Criteria: Invitae Variant Classification Sherloc (09022015). Collection method: clinical testing. Allele origin: germline.
Comment: For these reasons, this variant has been classified as Pathogenic. This variant has not been reported in the literature in individuals affected with DHTKD1-related conditions. This variant is present in population databases (rs764591027, gnomAD 0.01%). This sequence change creates a premature translational stop signal (p.Arg163*) in the DHTKD1 gene. It is expected to result in an absent or disrupted protein product. Loss-of-function variants in DHTKD1 are known to be pathogenic (PMID: 23141293, 25860818).

Literature cited by the submitters: PubMed 23141293 (cited by Labcorp Genetics (formerly Invitae), Labcorp); PubMed 25860818 (cited by Labcorp Genetics (formerly Invitae), Labcorp).

NM_018706.7(DHTKD1):c.487C>T (p.Arg163Ter)

Gene: DHTKD1 (dehydrogenase E1 and transketolase domain containing 1; plus strand). Cytogenetic location: 10p14.
Variant type: single nucleotide variant.
Coding change: c.487C>T on transcript NM_018706.7 (MANE Select); coding-DNA position 487, C replaced by T.
Protein change: p.Arg163Ter; replaces arginine 163 with a stop codon.
Molecular consequence: nonsense.
Genome position (GRCh38, 1-based): chr10:12,084,716, C>T. VCF-style: chr10-12084716-C-T. GRCh37 (hg19) VCF-style: chr10-12126715-C-T.
Other names: short protein forms R163*.
Identifiers: ClinVar variation 1982990 (VCV001982990.5), dbSNP rs764591027, ClinGen allele CA5407543.